The following is an entry in ClinVar:

NM_000183.3(HADHB):c.1149+4A>T

Gene: HADHB (hydroxyacyl-CoA dehydrogenase trifunctional multienzyme complex subunit beta; plus strand). Cytogenetic location: 2p23.3.
Variant type: single nucleotide variant.
Coding change: c.1149+4A>T on transcript NM_000183.3 (MANE Select); 4 bases into the intron after coding-DNA position 1149, A replaced by T.
Molecular consequence: intron variant.
Genome position (GRCh38, 1-based): chr2:26,284,208, A>T. VCF-style: chr2-26284208-A-T. GRCh37 (hg19) VCF-style: chr2-26507076-A-T.
Other names: p.?; c.1083+4A>T (NM_001281513.2); c.1104+4A>T (NM_001281512.2).
Identifiers: ClinVar variation 92597 (VCV000092597.21), dbSNP rs2303893, ClinGen allele CA285334.

ClinVar aggregate classification (germline): Benign/Likely benign. Review status: criteria provided, multiple submitters, no conflicts (2 of 4 stars). 7 submissions from 7 submitters: Benign (6); Likely benign (1). Last evaluated 2026-02-04.

Conditions:
Mitochondrial trifunctional protein deficiency. Identifiers: Orphanet 746, MedGen C1969443, MONDO:0012172.

Allele frequency attached by ClinVar (database versions not stated): ESP Exome Variant Server 0.05167; gnomAD 0.08727 and 0.09617; TOPMed 0.11420; ExAC 0.13787; gnomAD exomes 0.15279; 1000 Genomes Project 30x 0.21049; 1000 Genomes Project 0.22145.
gnomAD v4.1: 135,586 of 1,471,066 alleles (9.2%); highest among the groups gnomAD compares: East Asian, 79%; 20,338 homozygotes.

Submissions 1 to 30 of 125:

Labcorp Genetics (formerly Invitae), Labcorp
Classification: Benign for Mitochondrial trifunctional protein deficiency. Last evaluated: 2026-02-04. Review status: criteria provided, single submitter. Criteria: Invitae Variant Classification Sherloc (09022015). Collection method: clinical testing. Allele origin: germline.

Blueprint Genetics
Classification: Likely benign. Last evaluated: 2024-11-26. Review status: criteria provided, single submitter. Criteria: ACMG Guidelines, 2015. Collection method: clinical testing. Allele origin: germline.

Mayo Clinic Laboratories, Mayo Clinic
Classification: Benign. Last evaluated: 2021-12-12. Review status: criteria provided, single submitter. Criteria: ACMG Guidelines, 2015. Collection method: clinical testing. Allele origin: germline. Observed: 331 variant alleles.

Illumina Laboratory Services, Illumina
Classification: Benign for Mitochondrial trifunctional protein deficiency 1. Last evaluated: 2018-01-12. Review status: criteria provided, single submitter. Criteria: ICSL Variant Classification Criteria 13 December 2019. Collection method: clinical testing. Allele origin: germline.
Comment: This variant was observed in the ICSL laboratory as part of a predisposition screen in an ostensibly healthy population. It had not been previously curated by ICSL or reported in the Human Gene Mutation Database (HGMD: prior to June 1st, 2018), and was therefore a candidate for classification through an automated scoring system. Utilizing variant allele frequency, disease prevalence and penetrance estimates, and inheritance mode, an automated score was calculated to assess if this variant is too frequent to cause the disease. Based on the score and internal cut-off values, a variant classified as benign is not then subjected to further curation. The score for this variant resulted in a classification of benign for this disease.

Eurofins Ntd Llc (ga)
Classification: Benign. Last evaluated: 2013-10-02. Review status: criteria provided, single submitter. Criteria: EGL Classification Definitions 2015. Collection method: clinical testing. Allele origin: germline. Observed: 3 variant alleles, 3 heterozygotes.

GeneDx
Classification: Benign. Last evaluated: 2013-05-29. Review status: criteria provided, single submitter. Criteria: GeneDx Variant Classification (06012015). Collection method: clinical testing. Allele origin: germline. Affected: yes.
Comment: This variant is considered likely benign or benign based on one or more of the following criteria: it is a conservative change, it occurs at a poorly conserved position in the protein, it is predicted to be benign by multiple in silico algorithms, and/or has population frequency not consistent with disease.

Breakthrough Genomics
Classification: Benign. Review status: criteria provided, single submitter. Criteria: ACMG Guidelines, 2015. Collection method: not provided. Allele origin: germline. Inheritance: Autosomal recessive inheritance. Affected: yes.

Dr. Peter K. Rogan Lab, Western University
No classification provided (evidence only). Condition: Familial cancer of breast. Review status: no classification provided. Collection method: in vitro. Allele origin: not applicable. Functional consequence: skipped exon, retained intron. Not counted in ClinVar's aggregate classification.

Dr. Peter K. Rogan Lab, Western University
No classification provided (evidence only). Condition: Familial cancer of breast. Review status: no classification provided. Collection method: in vitro. Allele origin: not applicable. Functional consequence: skipped exon. Not counted in ClinVar's aggregate classification.

Dr. Peter K. Rogan Lab, Western University
No classification provided (evidence only). Condition: Colorectal cancer. Review status: no classification provided. Collection method: in vitro. Allele origin: not applicable. Functional consequence: skipped exon, retained intron. Not counted in ClinVar's aggregate classification.

Dr. Peter K. Rogan Lab, Western University
No classification provided (evidence only). Condition: Colorectal cancer. Review status: no classification provided. Collection method: in vitro. Allele origin: not applicable. Functional consequence: skipped exon, retained intron. Not counted in ClinVar's aggregate classification.

Dr. Peter K. Rogan Lab, Western University
No classification provided (evidence only). Condition: Colorectal cancer. Review status: no classification provided. Collection method: in vitro. Allele origin: not applicable. Functional consequence: skipped exon, retained intron. Not counted in ClinVar's aggregate classification.

Dr. Peter K. Rogan Lab, Western University
No classification provided (evidence only). Condition: Colorectal cancer. Review status: no classification provided. Collection method: in vitro. Allele origin: not applicable. Functional consequence: skipped exon, retained intron. Not counted in ClinVar's aggregate classification.

Dr. Peter K. Rogan Lab, Western University
No classification provided (evidence only). Condition: Colorectal cancer. Review status: no classification provided. Collection method: in vitro. Allele origin: not applicable. Functional consequence: skipped exon. Not counted in ClinVar's aggregate classification.

Dr. Peter K. Rogan Lab, Western University
No classification provided (evidence only). Condition: Colorectal cancer. Review status: no classification provided. Collection method: in vitro. Allele origin: not applicable. Functional consequence: skipped exon. Not counted in ClinVar's aggregate classification.

Dr. Peter K. Rogan Lab, Western University
No classification provided (evidence only). Condition: Colorectal cancer. Review status: no classification provided. Collection method: in vitro. Allele origin: not applicable. Functional consequence: skipped exon. Not counted in ClinVar's aggregate classification.

Dr. Peter K. Rogan Lab, Western University
No classification provided (evidence only). Condition: Colorectal cancer. Review status: no classification provided. Collection method: in vitro. Allele origin: not applicable. Functional consequence: skipped exon, retained intron. Not counted in ClinVar's aggregate classification.

Dr. Peter K. Rogan Lab, Western University
No classification provided (evidence only). Condition: Colorectal cancer. Review status: no classification provided. Collection method: in vitro. Allele origin: not applicable. Functional consequence: skipped exon. Not counted in ClinVar's aggregate classification.

Dr. Peter K. Rogan Lab, Western University
No classification provided (evidence only). Condition: Colorectal cancer. Review status: no classification provided. Collection method: in vitro. Allele origin: not applicable. Functional consequence: skipped exon. Not counted in ClinVar's aggregate classification.

Dr. Peter K. Rogan Lab, Western University
No classification provided (evidence only). Condition: Colorectal cancer. Review status: no classification provided. Collection method: in vitro. Allele origin: not applicable. Functional consequence: skipped exon. Not counted in ClinVar's aggregate classification.

Dr. Peter K. Rogan Lab, Western University
No classification provided (evidence only). Condition: Colorectal cancer. Review status: no classification provided. Collection method: in vitro. Allele origin: not applicable. Functional consequence: skipped exon. Not counted in ClinVar's aggregate classification.

Dr. Peter K. Rogan Lab, Western University
No classification provided (evidence only). Condition: Colorectal cancer. Review status: no classification provided. Collection method: in vitro. Allele origin: not applicable. Functional consequence: skipped exon, retained intron. Not counted in ClinVar's aggregate classification.

Dr. Peter K. Rogan Lab, Western University
No classification provided (evidence only). Condition: Colorectal cancer. Review status: no classification provided. Collection method: in vitro. Allele origin: not applicable. Functional consequence: skipped exon. Not counted in ClinVar's aggregate classification.

Dr. Peter K. Rogan Lab, Western University
No classification provided (evidence only). Condition: Colorectal cancer. Review status: no classification provided. Collection method: in vitro. Allele origin: not applicable. Functional consequence: skipped exon. Not counted in ClinVar's aggregate classification.

Dr. Peter K. Rogan Lab, Western University
No classification provided (evidence only). Condition: Malignant lymphoma, large B-cell, diffuse. Review status: no classification provided. Collection method: in vitro. Allele origin: not applicable. Functional consequence: skipped exon. Not counted in ClinVar's aggregate classification.

Dr. Peter K. Rogan Lab, Western University
No classification provided (evidence only). Condition: Malignant lymphoma, large B-cell, diffuse. Review status: no classification provided. Collection method: in vitro. Allele origin: not applicable. Functional consequence: skipped exon. Not counted in ClinVar's aggregate classification.

Dr. Peter K. Rogan Lab, Western University
No classification provided (evidence only). Condition: Malignant lymphoma, large B-cell, diffuse. Review status: no classification provided. Collection method: in vitro. Allele origin: not applicable. Functional consequence: skipped exon. Not counted in ClinVar's aggregate classification.

Dr. Peter K. Rogan Lab, Western University
No classification provided (evidence only). Condition: Malignant lymphoma, large B-cell, diffuse. Review status: no classification provided. Collection method: in vitro. Allele origin: not applicable. Functional consequence: skipped exon, retained intron. Not counted in ClinVar's aggregate classification.

Dr. Peter K. Rogan Lab, Western University
No classification provided (evidence only). Condition: Malignant lymphoma, large B-cell, diffuse. Review status: no classification provided. Collection method: in vitro. Allele origin: not applicable. Functional consequence: skipped exon. Not counted in ClinVar's aggregate classification.

Dr. Peter K. Rogan Lab, Western University
No classification provided (evidence only). Condition: Malignant lymphoma, large B-cell, diffuse. Review status: no classification provided. Collection method: in vitro. Allele origin: not applicable. Functional consequence: skipped exon. Not counted in ClinVar's aggregate classification.